The following is an entry in ClinVar:

ClinVar aggregate classification (germline): Uncertain significance (1 of 4 stars; one submission).

Submission:

GeneDx
Classification: Uncertain significance. Last evaluated: 2024-07-22. Review status: criteria provided, single submitter. Criteria: GeneDx Variant Classification Process June 2021. Collection method: clinical testing. Allele origin: germline. Affected: yes.
Comment: Not observed at significant frequency in large population cohorts (gnomAD); In silico analysis supports that this missense variant has a deleterious effect on protein structure/function; Has not been previously published as pathogenic or benign to our knowledge; Variants in candidate genes are classified as variants of uncertain significance in accordance with ACMG guidelines (PMID: 25741868)

NM_032999.4(GTF2I):c.136T>C (p.Cys46Arg)

Genes: GTF2I (general transcription factor IIi; plus strand), GTF2I-AS1 (GTF2I antisense RNA 1; minus strand). Cytogenetic location: 7q11.23.
Variant type: single nucleotide variant.
Coding change: c.136T>C on transcript NM_032999.4 (MANE Select); coding-DNA position 136, T replaced by C.
Protein change: p.Cys46Arg; replaces cysteine 46 with arginine.
Molecular consequence: missense variant.
Genome position (GRCh38, 1-based): chr7:74,691,009, T>C. VCF-style: chr7-74691009-T-C. GRCh37 (hg19) VCF-style: chr7-74105341-T-C.
Other names: c.136T>C, p.Cys46Arg (NM_001163636.3, NM_001280800.2, NM_001518.5 and 2 more transcripts); short protein forms C46R.
Identifiers: ClinVar variation 4527043 (VCV004527043.1).